The following is an entry in ClinVar:

NM_033056.4(PCDH15):c.5249C>T (p.Pro1750Leu)

Gene: PCDH15 (protocadherin related 15; minus strand). Cytogenetic location: 10q21.1.
Variant type: single nucleotide variant.
Coding change: c.5249C>T on transcript NM_033056.4 (MANE Plus Clinical); coding-DNA position 5249, C replaced by T.
Protein change: p.Pro1750Leu; replaces proline 1750 with leucine.
Molecular consequence: missense variant. On other transcripts: intron variant (8).
Genome position (GRCh38, 1-based): chr10:53,822,477, G>A on the plus strand (C>T on the coding strand, the complement: PCDH15 is on the minus strand). VCF-style: chr10-53822477-G-A. GRCh37 (hg19) VCF-style: chr10-55582237-G-A.
Other names: c.5270C>T, p.Pro1757Leu (NM_001142763.2); c.5255C>T, p.Pro1752Leu (NM_001142764.2); c.5042C>T, p.Pro1681Leu (NM_001142765.2); c.5240C>T, p.Pro1747Leu (NM_001142766.2); c.5129C>T, p.Pro1710Leu (NM_001142767.2); c.5189C>T, p.Pro1730Leu (NM_001142768.2); c.5180C>T, p.Pro1727Leu (NM_001142773.2); c.5183C>T, p.Pro1728Leu (NM_001354404.2); and 7 more; short protein forms P1730L, P1752L, P1710L, P1727L, P1757L, P1728L, P1681L, P1747L.
Identifiers: ClinVar variation 1387534 (VCV001387534.3), dbSNP rs2076355044, ClinGen allele CA376525323.

ClinVar aggregate classification (germline): Uncertain significance (1 of 4 stars; one submission).

Submission:

Labcorp Genetics (formerly Invitae), Labcorp
Classification: Uncertain significance. Last evaluated: 2021-10-16. Review status: criteria provided, single submitter. Criteria: Invitae Variant Classification Sherloc (09022015). Collection method: clinical testing. Allele origin: germline.
Comment: This sequence change replaces proline with leucine at codon 1750 of the PCDH15 protein (p.Pro1750Leu). The proline residue is weakly conserved and there is a moderate physicochemical difference between proline and leucine. This variant is not present in population databases (ExAC no frequency). This variant has not been reported in the literature in individuals affected with PCDH15-related conditions. Algorithms developed to predict the effect of missense changes on protein structure and function are either unavailable or do not agree on the potential impact of this missense change (SIFT: "Tolerated"; PolyPhen-2: "Not Available"; Align-GVGD: "Class C0"). In summary, the available evidence is currently insufficient to determine the role of this variant in disease. Therefore, it has been classified as a Variant of Uncertain Significance.